The following is an entry in ClinVar:

NM_024757.5(EHMT1):c.142A>G (p.Met48Val)

Gene: EHMT1 (euchromatic histone lysine methyltransferase 1; plus strand). Cytogenetic location: 9q34.3.
Variant type: single nucleotide variant.
Coding change: c.142A>G on transcript NM_024757.5 (MANE Select); coding-DNA position 142, A replaced by G.
Protein change: p.Met48Val; replaces methionine 48 with valine.
Molecular consequence: missense variant.
Genome position (GRCh38, 1-based): chr9:137,716,682, A>G. VCF-style: chr9-137716682-A-G. GRCh37 (hg19) VCF-style: chr9-140611134-A-G.
Other names: c.142A>G, p.Met48Val (NM_001145527.2, NM_001354263.2, NM_001354611.2); c.49A>G, p.Met17Val (NM_001354259.2, NM_001354612.2); short protein forms M17V, M48V.
Identifiers: ClinVar variation 773975 (VCV000773975.41), dbSNP rs145206240, ClinGen allele CA5374189.

ClinVar aggregate classification (germline): Benign/Likely benign. Review status: criteria provided, multiple submitters, no conflicts (2 of 4 stars). 5 submissions from 5 submitters: Benign (3); Likely benign (2). Last evaluated 2025-12-03.

Conditions:
Kleefstra syndrome 1 (KLEFS1). Identifiers: Orphanet 261494, MedGen C0795833, MONDO:0027407, OMIM 610253.
Inborn genetic diseases. Identifiers: MedGen C0950123, MeSH D030342.

Allele frequency attached by ClinVar (database versions not stated): ESP Exome Variant Server 0.00015; TOPMed 0.00024; gnomAD 0.00026; 1000 Genomes Project 30x 0.00062; 1000 Genomes Project 0.00080.
gnomAD v4.1: 188 of 1,604,476 alleles (0.012%); highest among the groups gnomAD compares: African/African-American, 0.056%; no homozygotes.

Submissions (5):

Labcorp Genetics (formerly Invitae), Labcorp
Classification: Benign for Kleefstra syndrome 1. Last evaluated: 2025-12-03. Review status: criteria provided, single submitter. Criteria: Invitae Variant Classification Sherloc (09022015). Collection method: clinical testing. Allele origin: germline.

Blueprint Genetics
Classification: Likely benign. Last evaluated: 2024-09-12. Review status: criteria provided, single submitter. Criteria: ACMG Guidelines, 2015. Collection method: clinical testing. Allele origin: germline.

CeGaT Center for Human Genetics Tuebingen
Classification: Benign. Last evaluated: 2023-03-01. Review status: criteria provided, single submitter. Criteria: CeGaT Center For Human Genetics Tuebingen Variant Classification Criteria Version 2. Collection method: clinical testing. Allele origin: germline. Affected: yes. Observed: 1 variant allele.
Comment: EHMT1: BP4, BS1, BS2

Ambry Genetics
Classification: Likely benign for Inborn genetic diseases. Last evaluated: 2021-07-19. Review status: criteria provided, single submitter. Criteria: Ambry Variant Classification Scheme 2023. Collection method: clinical testing. Allele origin: germline.

GeneDx
Classification: Benign. Last evaluated: 2020-11-02. Review status: criteria provided, single submitter. Criteria: GeneDx Variant Classification Process June 2021. Collection method: clinical testing. Allele origin: germline. Affected: yes.